The following is an entry in ClinVar:

NM_003737.4(DCHS1):c.4603T>G (p.Phe1535Val)

Gene: DCHS1 (dachsous cadherin-related 1; minus strand). Cytogenetic location: 11p15.4.
Variant type: single nucleotide variant.
Coding change: c.4603T>G on transcript NM_003737.4 (MANE Select); coding-DNA position 4603, T replaced by G.
Protein change: p.Phe1535Val; replaces phenylalanine 1535 with valine.
Molecular consequence: missense variant.
Genome position (GRCh38, 1-based): chr11:6,630,191, A>C on the plus strand (T>G on the coding strand, the complement: DCHS1 is on the minus strand). VCF-style: chr11-6630191-A-C. GRCh37 (hg19) VCF-style: chr11-6651422-A-C.
Other names: short protein forms F1535V.
Identifiers: ClinVar variation 2082578 (VCV002082578.4), dbSNP rs773276387, ClinGen allele CA5860319.

ClinVar aggregate classification (germline): Uncertain significance (1 of 4 stars; one submission).

Allele frequency attached by ClinVar (database versions not stated): 1000 Genomes Project 30x 0.00016; gnomAD exomes 0.00001; ExAC 0.00002; gnomAD 0.00007; TOPMed 0.00010.
gnomAD v4.1: 26 of 1,587,900 alleles (0.0016%); highest among the groups gnomAD compares: African/African-American, 0.031%; no homozygotes.

Submission:

Labcorp Genetics (formerly Invitae), Labcorp
Classification: Uncertain significance. Last evaluated: 2026-01-05. Review status: criteria provided, single submitter. Criteria: Invitae Variant Classification Sherloc (09022015). Collection method: clinical testing. Allele origin: germline.
Comment: This sequence change replaces phenylalanine, which is neutral and non-polar, with valine, which is neutral and non-polar, at codon 1535 of the DCHS1 protein (p.Phe1535Val). This variant is present in population databases (rs773276387, gnomAD 0.04%). This variant has not been reported in the literature in individuals affected with DCHS1-related conditions. ClinVar contains an entry for this variant (Variation ID: 2082578). Invitae Evidence Modeling of protein sequence and biophysical properties (such as structural, functional, and spatial information, amino acid conservation, physicochemical variation, residue mobility, and thermodynamic stability) indicates that this missense variant is not expected to disrupt DCHS1 protein function with a negative predictive value of 80%. In summary, the available evidence is currently insufficient to determine the role of this variant in disease. Therefore, it has been classified as a Variant of Uncertain Significance.